The following is an entry in ClinVar:

ClinVar aggregate classification (germline): Conflicting classifications of pathogenicity. Review status: criteria provided, conflicting classifications (1 of 4 stars). 4 submissions from 4 submitters: Uncertain significance (1); Likely benign (3). Last evaluated 2026-01-27.

Conditions:
PEX14-related disorder. Also called: PEX14-related condition.
Peroxisome biogenesis disorder 13A (Zellweger). Also called: Peroxisome biogenesis disorder 13A. Identifiers: Orphanet 912, MedGen C3554004, MONDO:0013952, OMIM 614887.
Peroxisome biogenesis disorder, complementation group K (CGK). Identifiers: MedGen C1866257, MONDO:0800365.

Allele frequency attached by ClinVar (database versions not stated): gnomAD 0.00011 and 0.00014; gnomAD exomes 0.00016 and 0.00027; TOPMed 0.00024; ExAC 0.00026; 1000 Genomes Project 0.00060; 1000 Genomes Project 30x 0.00094.
gnomAD v4.1: 268 of 1,607,500 alleles (0.017%); highest among the groups gnomAD compares: East Asian, 0.26%; no homozygotes.

Submissions (4):

Labcorp Genetics (formerly Invitae), Labcorp
Classification: Likely benign for Peroxisome biogenesis disorder, complementation group K. Last evaluated: 2026-01-27. Review status: criteria provided, single submitter. Criteria: Invitae Variant Classification Sherloc (09022015). Collection method: clinical testing. Allele origin: germline.

PreventionGenetics, part of Exact Sciences
Classification: Likely benign for PEX14-related condition. Last evaluated: 2024-10-15. Review status: criteria provided, single submitter. Criteria: ACMG Guidelines, 2015. Collection method: clinical testing. Allele origin: germline.
Comment: This variant is classified as likely benign based on ACMG/AMP sequence variant interpretation guidelines (Richards et al. 2015 PMID: 25741868, with internal and published modifications).

Blueprint Genetics
Classification: Likely benign. Last evaluated: 2023-12-09. Review status: criteria provided, single submitter. Criteria: ACMG Guidelines, 2015. Collection method: clinical testing. Allele origin: germline.

Illumina Laboratory Services, Illumina
Classification: Uncertain significance for Peroxisome biogenesis disorder 13A (Zellweger). Last evaluated: 2018-01-12. Review status: criteria provided, single submitter. Criteria: ICSL Variant Classification Criteria 13 December 2019. Collection method: clinical testing. Allele origin: germline.

NM_004565.3(PEX14):c.993T>G (p.Asp331Glu)

Gene: PEX14 (peroxisomal biogenesis factor 14; plus strand). Cytogenetic location: 1p36.22.
Variant type: single nucleotide variant.
Coding change: c.993T>G on transcript NM_004565.3 (MANE Select); coding-DNA position 993, T replaced by G.
Protein change: p.Asp331Glu; replaces aspartic acid 331 with glutamic acid.
Molecular consequence: missense variant.
Genome position (GRCh38, 1-based): chr1:10,629,846, T>G. VCF-style: chr1-10629846-T-G. GRCh37 (hg19) VCF-style: chr1-10689903-T-G.
Other names: short protein forms D331E.
Identifiers: ClinVar variation 291682 (VCV000291682.15), dbSNP rs79954820, ClinGen allele CA584014.